The following is an entry in ClinVar:

NM_198282.4(STING1):c.929G>A (p.Arg310His)

Gene: STING1 (stimulator of interferon response cGAMP interactor 1; minus strand). Cytogenetic location: 5q31.2.
Variant type: single nucleotide variant.
Coding change: c.929G>A on transcript NM_198282.4 (MANE Select); coding-DNA position 929, G replaced by A.
Protein change: p.Arg310His; replaces arginine 310 with histidine.
Molecular consequence: missense variant. On other transcripts: intron variant (1).
Genome position (GRCh38, 1-based): chr5:139,477,346, C>T on the plus strand (G>A on the coding strand, the complement: STING1 is on the minus strand). VCF-style: chr5-139477346-C-T. GRCh37 (hg19) VCF-style: chr5-138856931-C-T.
Other names: c.929G>A (NM_198282.2); c.929G>A, p.Arg310His (LRG_1308t1); c.572G>A, p.Arg191His (NM_001367258.1); c.760-892G>A (NM_001301738.2); short protein forms R310H, R191H.
Identifiers: ClinVar variation 541980 (VCV000541980.11), dbSNP rs144683867, ClinGen allele CA3435289.
Genomic context (GRCh38, chr5:139,477,346, plus strand): 5'-CTGCCCTCCAGCCTATCAACCCCTCACCCTACCAACCCCTCACCCTGGTAGGCAATGAGG[C>T]GGCAGTTGTTCTGAGACTCAGGGGCATCTGCCAGGATGTCCTCAAGTGTCCGGCAGAAGA-3'
Protein context (NP_938023.1, residues 300-320): ADAPESQNNC[Arg310His]LIAYQEPADD

ClinVar aggregate classification (germline): Conflicting classifications of pathogenicity. Review status: criteria provided, conflicting classifications (1 of 4 stars). 3 submissions from 3 submitters: Uncertain significance (2); Likely benign (1). Last evaluated 2026-01-12.

Conditions:
Inborn genetic diseases. Identifiers: MedGen C0950123, MeSH D030342.
STING-associated vasculopathy with onset in infancy. Also called: Sting-associated vasculopathy, infantile-onset. Identifiers: Orphanet 425120, MedGen C4014722, MONDO:0014405, OMIM 615934.

Allele frequency attached by ClinVar (database versions not stated): gnomAD exomes 0.00005 and 0.00002; ExAC 0.00007; gnomAD 0.00009 and 0.00008; TOPMed 0.00010; ESP Exome Variant Server 0.00023.
gnomAD v4.1: 47 of 1,613,732 alleles (0.0029%); highest among the groups gnomAD compares: African/African-American, 0.024%; no homozygotes.

Submissions (3):

Labcorp Genetics (formerly Invitae), Labcorp
Classification: Uncertain significance for STING-associated vasculopathy with onset in infancy. Last evaluated: 2026-01-12. Review status: criteria provided, single submitter. Criteria: Invitae Variant Classification Sherloc (09022015). Collection method: clinical testing. Allele origin: germline.
Comment: This sequence change replaces arginine, which is basic and polar, with histidine, which is basic and polar, at codon 310 of the TMEM173 protein (p.Arg310His). This variant is present in population databases (rs144683867, gnomAD 0.02%). This variant has not been reported in the literature in individuals affected with TMEM173-related conditions. ClinVar contains an entry for this variant (Variation ID: 541980). An algorithm developed to predict the effect of missense changes on protein structure and function outputs the following: PolyPhen-2: "Benign". The histidine amino acid residue is found in multiple mammalian species, which suggests that this missense change does not adversely affect protein function. In summary, the available evidence is currently insufficient to determine the role of this variant in disease. Therefore, it has been classified as a Variant of Uncertain Significance.

Ambry Genetics
Classification: Uncertain significance for Inborn genetic diseases. Last evaluated: 2025-08-12. Review status: criteria provided, single submitter. Criteria: Ambry Variant Classification Scheme 2023. Collection method: clinical testing. Allele origin: germline.

Women's Health and Genetics/Laboratory Corporation of America, LabCorp
Classification: Likely benign. Last evaluated: 2025-02-11. Review status: criteria provided, single submitter. Criteria: LabCorp Variant Classification Summary - May 2015. Collection method: clinical testing. Allele origin: germline.
Comment: Variant summary: STING1 c.929G>A (p.Arg310His) results in a non-conservative amino acid change located in the STING ligand-binding domain (IPR055432) of the encoded protein sequence. Four of five in-silico tools predict a damaging effect of the variant on protein function. The variant allele was found at a frequency of 2.9e-05 in 1613732 control chromosomes, predominantly at a frequency of 0.00024 within the African or African-American subpopulation in the gnomAD database. The observed variant frequency within African or African-American control individuals in the gnomAD database is approximately 240 fold of the estimated maximal expected allele frequency for a pathogenic variant in STING1 causing STING-associated vasculopathy with onset in infancy phenotype (1e-06). To our knowledge, no occurrence of c.929G>A in individuals affected with STING-associated vasculopathy with onset in infancy and no experimental evidence demonstrating its impact on protein function have been reported. ClinVar contains an entry for this variant (Variation ID: 541980). Based on the evidence outlined above, the variant was classified as likely benign.